The following is an entry in ClinVar:

NM_001035.3(RYR2):c.8590+238G>A

Gene: RYR2 (ryanodine receptor 2; plus strand). Cytogenetic location: 1q43.
Variant type: single nucleotide variant.
Coding change: c.8590+238G>A on transcript NM_001035.3 (MANE Select); 238 bases into the intron after coding-DNA position 8590, G replaced by A.
Molecular consequence: intron variant.
Genome position (GRCh38, 1-based): chr1:237,668,196, G>A. VCF-style: chr1-237668196-G-A. GRCh37 (hg19) VCF-style: chr1-237831496-G-A.
Identifiers: ClinVar variation 679607 (VCV000679607.1), dbSNP rs148000020, ClinGen allele CA39814028.
Genomic context (GRCh38, chr1:237,668,196, plus strand): 5'-TTTTCTTGTGTCTCAGAATTTTGACAGCTTTCTTTTACCCATTTTAGCTTACAGACTTCT[G>A]TACTTCTCATCCTGATATCTGAGTTGTTCTATGAATGACTTAGACTTCCCTCCCTGACTC-3'

ClinVar aggregate classification (germline): Likely benign (1 of 4 stars; one submission).

Allele frequency attached by ClinVar (database versions not stated): 1000 Genomes Project 0.00120; 1000 Genomes Project 30x 0.00203; TOPMed 0.00271; gnomAD 0.00389 and 0.00395.
gnomAD v4.1: 591 of 152,136 alleles (0.39%); highest among the groups gnomAD compares: Non-Finnish European, 0.55%; 3 homozygotes.

Submission:

GeneDx
Classification: Likely benign. Last evaluated: 2018-06-19. Review status: criteria provided, single submitter. Criteria: GeneDx Variant Classification (06012015). Collection method: clinical testing. Allele origin: germline. Affected: yes.
Comment: This variant is considered likely benign or benign based on one or more of the following criteria: it is a conservative change, it occurs at a poorly conserved position in the protein, it is predicted to be benign by multiple in silico algorithms, and/or has population frequency not consistent with disease.